The following is an entry in ClinVar:

ClinVar aggregate classification (germline): Uncertain significance (1 of 4 stars; one submission).

Conditions:
Fanconi anemia (FA). Also called: Fanconi's anemia. Identifiers: Orphanet 84, MedGen C0015625, MeSH D005199, MONDO:0019391.

gnomAD v4.1: 1 of 1,614,066 alleles (0.000062%); highest among the groups gnomAD compares: Non-Finnish European, 0.000085%; no homozygotes.

Submission:

Labcorp Genetics (formerly Invitae), Labcorp
Classification: Uncertain significance for Fanconi anemia. Last evaluated: 2024-04-29. Review status: criteria provided, single submitter. Criteria: Invitae Variant Classification Sherloc (09022015). Collection method: clinical testing. Allele origin: germline.
Comment: This sequence change replaces glycine, which is neutral and non-polar, with aspartic acid, which is acidic and polar, at codon 682 of the SLX4 protein (p.Gly682Asp). This variant is not present in population databases (gnomAD no frequency). This variant has not been reported in the literature in individuals affected with SLX4-related conditions. An algorithm developed to predict the effect of missense changes on protein structure and function (PolyPhen-2) suggests that this variant is likely to be disruptive. In summary, the available evidence is currently insufficient to determine the role of this variant in disease. Therefore, it has been classified as a Variant of Uncertain Significance.

NM_032444.4(SLX4):c.2045G>A (p.Gly682Asp)

Gene: SLX4 (SLX4 structure-specific endonuclease subunit; minus strand). Cytogenetic location: 16p13.3.
Variant type: single nucleotide variant.
Coding change: c.2045G>A on transcript NM_032444.4 (MANE Select); coding-DNA position 2045, G replaced by A.
Protein change: p.Gly682Asp; replaces glycine 682 with aspartic acid.
Molecular consequence: missense variant.
Genome position (GRCh38, 1-based): chr16:3,594,568, C>T on the plus strand (G>A on the coding strand, the complement: SLX4 is on the minus strand). VCF-style: chr16-3594568-C-T. GRCh37 (hg19) VCF-style: chr16-3644569-C-T.
Other names: short protein forms G682D.
Identifiers: ClinVar variation 3668182 (VCV003668182.2).